The following is an entry in ClinVar:

NM_001270974.2(HYDIN):c.4757G>A (p.Arg1586His)

Gene: HYDIN (HYDIN axonemal central pair apparatus protein; minus strand). Cytogenetic location: 16q22.2.
Variant type: single nucleotide variant.
Coding change: c.4757G>A on transcript NM_001270974.2 (MANE Select); coding-DNA position 4757, G replaced by A.
Protein change: p.Arg1586His; replaces arginine 1586 with histidine.
Molecular consequence: missense variant.
Genome position (GRCh38, 1-based): chr16:70,975,151, C>T on the plus strand (G>A on the coding strand, the complement: HYDIN is on the minus strand). VCF-style: chr16-70975151-C-T. GRCh37 (hg19) VCF-style: chr16-71009054-C-T.
Other names: short protein forms R1586H.
Identifiers: ClinVar variation 2646771 (VCV002646771.24), dbSNP rs201855097, ClinGen allele CA8150649.

ClinVar aggregate classification (germline): Benign (1 of 4 stars; one submission).

Allele frequency attached by ClinVar (database versions not stated): gnomAD exomes 0.00286; gnomAD 0.00457; 1000 Genomes Project 0.00539; TOPMed 0.00543; 1000 Genomes Project 30x 0.00640; ExAC 0.00757.
gnomAD v4.1: 1,728 of 520,102 alleles (0.33%); highest among the groups gnomAD compares: African/African-American, 1.1%; 5 homozygotes.

Submission:

CeGaT Center for Human Genetics Tuebingen
Classification: Benign. Last evaluated: 2026-01-01. Review status: criteria provided, single submitter. Criteria: CeGaT Center For Human Genetics Tuebingen Variant Classification Criteria Version 2. Collection method: clinical testing. Allele origin: germline. Affected: yes. Observed: 4 variant alleles.
Comment: HYDIN: BP4, BS1, BS2